The following is an entry in ClinVar:

ClinVar aggregate classification (germline): Uncertain significance (1 of 4 stars; one submission).

Allele frequency attached by ClinVar (database versions not stated): gnomAD exomes below 0.00001; gnomAD 0.00001.
gnomAD v4.1: 5 of 1,613,980 alleles (0.00031%); highest among the groups gnomAD compares: Admixed American, 0.0017%; no homozygotes.

Submission:

Labcorp Genetics (formerly Invitae), Labcorp
Classification: Uncertain significance. Last evaluated: 2022-08-16. Review status: criteria provided, single submitter. Criteria: Invitae Variant Classification Sherloc (09022015). Collection method: clinical testing. Allele origin: germline.
Comment: This sequence change replaces arginine, which is basic and polar, with glutamine, which is neutral and polar, at codon 192 of the IDH3A protein (p.Arg192Gln). This variant is present in population databases (no rsID available, gnomAD 0.003%). This variant has not been reported in the literature in individuals affected with IDH3A-related conditions. ClinVar contains an entry for this variant (Variation ID: 1463725). Algorithms developed to predict the effect of missense changes on protein structure and function (SIFT, PolyPhen-2, Align-GVGD) all suggest that this variant is likely to be disruptive. Algorithms developed to predict the effect of sequence changes on RNA splicing suggest that this variant may create or strengthen a splice site. In summary, the available evidence is currently insufficient to determine the role of this variant in disease. Therefore, it has been classified as a Variant of Uncertain Significance.

NM_005530.3(IDH3A):c.575G>A (p.Arg192Gln)

Gene: IDH3A (isocitrate dehydrogenase (NAD(+)) 3 catalytic subunit alpha; plus strand). Cytogenetic location: 15q25.1.
Variant type: single nucleotide variant.
Coding change: c.575G>A on transcript NM_005530.3 (MANE Select); coding-DNA position 575, G replaced by A.
Protein change: p.Arg192Gln; replaces arginine 192 with glutamine.
Molecular consequence: missense variant.
Genome position (GRCh38, 1-based): chr15:78,162,331, G>A. VCF-style: chr15-78162331-G-A. GRCh37 (hg19) VCF-style: chr15-78454673-G-A.
Other names: short protein forms R192Q.
Identifiers: ClinVar variation 1463725 (VCV001463725.6), dbSNP rs1180969857, ClinGen allele CA393543290.
Genomic context (GRCh38, chr15:78,162,331, plus strand): 5'-CCGAGGGGGCGAGCAAGCGCATTGCTGAGTTTGCCTTTGAGTATGCCCGGAACAACCACC[G>A]GAGCAACGTCACGGCGGTGCACAAAGCCAACATCATGTGAGCTCCTTGCGGGGGCCGGCA-3'
Protein context (NP_005521.1, residues 182-202): FAFEYARNNH[Arg192Gln]SNVTAVHKAN